The following is an entry in ClinVar:

ClinVar aggregate classification (germline): Uncertain significance (1 of 4 stars; one submission).

Conditions:
Severe early-onset pulmonary alveolar proteinosis due to MARS deficiency. Also called: PULMONARY ALVEOLAR PROTEINOSIS, REUNION ISLAND; Interstitial lung and liver disease. Identifiers: Orphanet 440427, MedGen C4225400, MONDO:0014206, OMIM 615486.
Charcot-Marie-Tooth disease axonal type 2U. Also called: CHARCOT-MARIE-TOOTH NEUROPATHY, TYPE 2U; CHARCOT-MARIE-TOOTH DISEASE, AXONAL, AUTOSOMAL DOMINANT, TYPE 2U. Identifiers: Orphanet 397735, MedGen C4084821, MONDO:0014566, OMIM 616280.

Allele frequency attached by ClinVar (database versions not stated): TOPMed 0.00001; ExAC 0.00002; gnomAD 0.00002 and 0.00003; gnomAD exomes 0.00002; ESP Exome Variant Server 0.00008.
gnomAD v4.1: 41 of 1,613,538 alleles (0.0025%); highest among the groups gnomAD compares: Non-Finnish European, 0.0033%; no homozygotes.

Submission:

Labcorp Genetics (formerly Invitae), Labcorp
Classification: Uncertain significance for Charcot-Marie-Tooth disease axonal type 2U; Severe early-onset pulmonary alveolar proteinosis due to MARS deficiency. Last evaluated: 2023-07-10. Review status: criteria provided, single submitter. Criteria: Invitae Variant Classification Sherloc (09022015). Collection method: clinical testing. Allele origin: germline.
Comment: In summary, the available evidence is currently insufficient to determine the role of this variant in disease. Therefore, it has been classified as a Variant of Uncertain Significance. Variants that disrupt the consensus splice site are a relatively common cause of aberrant splicing (PMID: 17576681, 9536098). Algorithms developed to predict the effect of sequence changes on RNA splicing suggest that this variant is not likely to affect RNA splicing. ClinVar contains an entry for this variant (Variation ID: 1681679). This variant has not been reported in the literature in individuals affected with MARS-related conditions. This variant is present in population databases (rs374880860, gnomAD 0.004%). This sequence change falls in intron 2 of the MARS gene. It does not directly change the encoded amino acid sequence of the MARS protein. It affects a nucleotide within the consensus splice site.

Literature cited by the submitters: PubMed 17576681; PubMed 9536098.

NM_004990.4(MARS1):c.201-3C>T

Gene: MARS1 (methionyl-tRNA synthetase 1; plus strand). Cytogenetic location: 12q13.3.
Variant type: single nucleotide variant.
Coding change: c.201-3C>T on transcript NM_004990.4 (MANE Select); 3 bases into the intron before coding-DNA position 201, C replaced by T.
Molecular consequence: intron variant.
Genome position (GRCh38, 1-based): chr12:57,489,264, C>T. VCF-style: chr12-57489264-C-T. GRCh37 (hg19) VCF-style: chr12-57883047-C-T.
Identifiers: ClinVar variation 1681679 (VCV001681679.6), dbSNP rs374880860, ClinGen allele CA6650094.